The following is an entry in ClinVar:

ClinVar aggregate classification (germline): Uncertain significance (1 of 4 stars; one submission).

Conditions:
Candidiasis, familial, 8 (CANDF8). Identifiers: Orphanet 1334, MedGen C3714992, MONDO:0014230, OMIM 615527.

Submission:

Labcorp Genetics (formerly Invitae), Labcorp
Classification: Uncertain significance for Candidiasis, familial, 8. Last evaluated: 2025-03-31. Review status: criteria provided, single submitter. Criteria: Invitae Variant Classification Sherloc (09022015). Collection method: clinical testing. Allele origin: germline.
Comment: This sequence change replaces aspartic acid, which is acidic and polar, with histidine, which is basic and polar, at codon 226 of the TRAF3IP2 protein (p.Asp226His). This variant is not present in population databases (gnomAD no frequency). This variant has not been reported in the literature in individuals affected with TRAF3IP2-related conditions. ClinVar contains an entry for this variant (Variation ID: 1521853). Invitae Evidence Modeling of protein sequence and biophysical properties (such as structural, functional, and spatial information, amino acid conservation, physicochemical variation, residue mobility, and thermodynamic stability) indicates that this missense variant is not expected to disrupt TRAF3IP2 protein function with a negative predictive value of 80%. In summary, the available evidence is currently insufficient to determine the role of this variant in disease. Therefore, it has been classified as a Variant of Uncertain Significance.

NM_147686.4(TRAF3IP2):c.676G>C (p.Asp226His)

Genes: TRAF3IP2 (TRAF3 interacting protein 2; minus strand), TRAF3IP2-AS1 (TRAF3IP2 antisense RNA 1; plus strand), LOC114803478 (TRAF3IP2 eExon liver enhancer; plus strand). Cytogenetic location: 6q21.
Variant type: single nucleotide variant.
Coding change: c.676G>C on transcript NM_147686.4 (MANE Select); coding-DNA position 676, G replaced by C.
Protein change: p.Asp226His; replaces aspartic acid 226 with histidine.
Molecular consequence: missense variant.
Genome position (GRCh38, 1-based): chr6:111,591,411, C>G on the plus strand (G>C on the coding strand, the complement: TRAF3IP2 is on the minus strand). VCF-style: chr6-111591411-C-G. GRCh37 (hg19) VCF-style: chr6-111912614-C-G.
Other names: c.676G>C, p.Asp226His (NM_001164281.3); c.703G>C, p.Asp235His (NM_147200.3); short protein forms D235H, D226H.
Identifiers: ClinVar variation 1521853 (VCV001521853.8), dbSNP rs2128382106, ClinGen allele CA365366129.